The following is an entry in ClinVar:

ClinVar aggregate classification (germline): Pathogenic (1 of 4 stars; one submission).

Conditions:
Infantile neuroaxonal dystrophy (NBIA2A). Also called: NEURODEGENERATION WITH BRAIN IRON ACCUMULATION 2A; SEITELBERGER DISEASE; Infantile neuroaxonal dystrophy 1. Identifiers: Orphanet 35069, MedGen C0270724, MONDO:0024457, OMIM 256600.

Submission:

Labcorp Genetics (formerly Invitae), Labcorp
Classification: Pathogenic for Infantile neuroaxonal dystrophy. Last evaluated: 2024-10-17. Review status: criteria provided, single submitter. Criteria: Invitae Variant Classification Sherloc (09022015). Collection method: clinical testing. Allele origin: germline.
Comment: This sequence change creates a premature translational stop signal (p.Gln592Profs*5) in the PLA2G6 gene. It is expected to result in an absent or disrupted protein product. Loss-of-function variants in PLA2G6 are known to be pathogenic (PMID: 16783378, 18570303, 18799783, 22213678). This variant is not present in population databases (gnomAD no frequency). This variant has not been reported in the literature in individuals affected with PLA2G6-related conditions. For these reasons, this variant has been classified as Pathogenic.

Literature cited by the submitters: PubMed 16783378; PubMed 18570303; PubMed 18799783; PubMed 22213678.

NM_003560.4(PLA2G6):c.1771_1774dup (p.Gln592fs)

Gene: PLA2G6 (phospholipase A2 group VI; minus strand). Cytogenetic location: 22q13.1.
Variant type: Duplication.
Coding change: c.1771_1774dup on transcript NM_003560.4 (MANE Select); coding-DNA positions 1771 to 1774, 4 bases duplicated (CGGC; older notation c.1771_1774dupCGGC).
Protein change: p.Gln592fs; shifts the reading frame from glutamine 592.
Molecular consequence: frameshift variant.
Genome position (GRCh38, 1-based): chr22:38,116,180-38,116,183, GCCG duplicated on the plus strand (CGGC on the coding strand, the reverse complement: PLA2G6 is on the minus strand); duplicating any 4 consecutive bases within chr22:38,116,180-38,116,184 gives the same sequence; the c. name uses the placement nearest the transcript's 3' end. VCF-style (leftmost placement, unchanged base first): chr22-38116179-T-TGCCG. GRCh37 (hg19) VCF-style: chr22-38512186-T-TGCCG.
Other names: c.1237_1240dup, p.Gln414fs (NM_001349867.2); c.1093_1096dup, p.Gln366fs (NM_001349868.2); c.1075_1078dup, p.Gln360fs (NM_001349869.2); c.1609_1612dup, p.Gln538fs (NM_001004426.3, NM_001199562.3, NM_001349865.2 and 1 more transcripts); c.1771_1774dup, p.Gln592fs (NM_001349864.2); short protein forms Q538fs, Q414fs, Q360fs, Q366fs, Q592fs.
Identifiers: ClinVar variation 3707052 (VCV003707052.2).